The following is an entry in ClinVar:

ClinVar aggregate classification (germline): Uncertain significance. Review status: criteria provided, multiple submitters, no conflicts (2 of 4 stars). 4 submissions from 4 submitters: Uncertain significance (3). 1 of the submissions does not count toward it. Last evaluated 2023-07-14.

Conditions:
Wilson disease (WND). Also called: Wilson's disease. Identifiers: Orphanet 905, MedGen C0019202, MONDO:0010200, OMIM 277900. Disease mechanism: loss of function.

Submissions (4):

Mayo Clinic Laboratories, Mayo Clinic
Classification: Uncertain significance. Last evaluated: 2023-07-14. Review status: criteria provided, single submitter. Criteria: ACMG Guidelines, 2015. Collection method: clinical testing. Allele origin: germline. Observed: 1 variant allele.
Comment: PP3, PM2_moderate

Fulgent Genetics
Classification: Uncertain significance for Wilson disease. Last evaluated: 2022-04-04. Review status: criteria provided, single submitter. Criteria: ACMG Guidelines, 2015. Collection method: clinical testing. Allele origin: unknown.

Labcorp Genetics (formerly Invitae), Labcorp
Classification: Uncertain significance for Wilson disease. Last evaluated: 2021-09-01. Review status: criteria provided, single submitter. Criteria: Invitae Variant Classification Sherloc (09022015). Collection method: clinical testing. Allele origin: germline.
Comment: This sequence change replaces glycine with valine at codon 1281 of the ATP7B protein (p.Gly1281Val). The glycine residue is highly conserved and there is a moderate physicochemical difference between glycine and valine. This variant is not present in population databases (ExAC no frequency). This missense change has been observed in individual(s) with Wilson disease (Invitae). Algorithms developed to predict the effect of missense changes on protein structure and function are either unavailable or do not agree on the potential impact of this missense change (SIFT: "Deleterious"; PolyPhen-2: "Probably Damaging"; Align-GVGD: "Class C0"). This variant disrupts the p.Gly1281 amino acid residue in ATP7B. Other variant(s) that disrupt this residue have been observed in individuals with ATP7B-related conditions (PMID: 17272994; Invitae), which suggests that this may be a clinically significant amino acid residue. In summary, the available evidence is currently insufficient to determine the role of this variant in disease. Therefore, it has been classified as a Variant of Uncertain Significance.

Natera, Inc.
Classification: Uncertain significance for Wilson disease. Last evaluated: 2021-08-11. Review status: no assertion criteria provided. Collection method: clinical testing. Allele origin: germline. Not counted in ClinVar's aggregate classification.

Literature cited by the submitters: PubMed 17272994 (cited by Labcorp Genetics (formerly Invitae), Labcorp).

NM_000053.4(ATP7B):c.3842G>T (p.Gly1281Val)

Gene: ATP7B (ATPase copper transporting beta; minus strand). Cytogenetic location: 13q14.3.
Variant type: single nucleotide variant.
Coding change: c.3842G>T on transcript NM_000053.4 (MANE Select); coding-DNA position 3842, G replaced by T.
Protein change: p.Gly1281Val; replaces glycine 1281 with valine.
Molecular consequence: missense variant.
Genome position (GRCh38, 1-based): chr13:51,937,537, C>A on the plus strand (G>T on the coding strand, the complement: ATP7B is on the minus strand). VCF-style: chr13-51937537-C-A. GRCh37 (hg19) VCF-style: chr13-52511673-C-A.
Other names: p.Gly1281Val; c.3221G>T, p.Gly1074Val (NM_001005918.3); c.3509G>T, p.Gly1170Val (NM_001243182.2); c.3608G>T, p.Gly1203Val (NM_001330578.2); c.3590G>T, p.Gly1197Val (NM_001330579.2); short protein forms G1074V, G1203V, G1281V, G1170V, G1197V.
Identifiers: ClinVar variation 859745 (VCV000859745.13), dbSNP rs755202606, ClinGen allele CA388021716.